The following is an entry in ClinVar:

ClinVar aggregate classification (germline): Likely pathogenic (1 of 4 stars; one submission).

Conditions:
Familial focal epilepsy with variable foci (FPEVF). Identifiers: Orphanet 98820, MedGen C1858477, MONDO:0020310.

Submission:

Labcorp Genetics (formerly Invitae), Labcorp
Classification: Likely pathogenic for Familial focal epilepsy with variable foci. Last evaluated: 2020-03-11. Review status: criteria provided, single submitter. Criteria: Invitae Variant Classification Sherloc (09022015). Collection method: clinical testing. Allele origin: germline.
Comment: In summary, the currently available evidence indicates that the variant is pathogenic, but additional data are needed to prove that conclusively. Therefore, this variant has been classified as Likely Pathogenic. This variant disrupts the p.Phe164 amino acid residue in DEPDC5. Other variant(s) that disrupt this residue have been observed in individuals with DEPDC5-related conditions (PMID:23542697, 25366275), suggesting that it is a clinically significant residue. As a result, variants that disrupt this residue are likely to be causative of disease. This variant has not been reported in the literature in individuals with DEPDC5-related conditions. This variant is an in-frame deletion of the genomic region encompassing exons 8-12 of the DEPDC5 gene. It preserves the integrity of the reading frame.

Literature cited by the submitters: PubMed 23542697; PubMed 25366275.

NC_000022.11:g.(?_31778079)_(31792837_?)del

Gene: DEPDC5 (DEP domain containing 5, GATOR1 subcomplex subunit; plus strand). Cytogenetic location: 22q12.2.
Variant type: Deletion.
Identifiers: ClinVar variation 831048 (VCV000831048.7).